The following is an entry in ClinVar:

NM_001365999.1(SZT2):c.4201C>G (p.Gln1401Glu)

Gene: SZT2 (SZT2 subunit of KICSTOR complex; plus strand). Cytogenetic location: 1p34.2.
Variant type: single nucleotide variant.
Coding change: c.4201C>G on transcript NM_001365999.1 (MANE Select); coding-DNA position 4201, C replaced by G.
Protein change: p.Gln1401Glu; replaces glutamine 1401 with glutamic acid.
Molecular consequence: missense variant.
Genome position (GRCh38, 1-based): chr1:43,429,737, C>G. VCF-style: chr1-43429737-C-G. GRCh37 (hg19) VCF-style: chr1-43895408-C-G.
Other names: c.4030C>G, p.Gln1344Glu (NM_015284.4); short protein forms Q1401E, Q1344E.
Identifiers: ClinVar variation 662714 (VCV000662714.8), dbSNP rs1570664244, ClinGen allele CA340020412.

ClinVar aggregate classification (germline): Uncertain significance (1 of 4 stars; one submission).

Allele frequency attached by ClinVar (database versions not stated): gnomAD exomes below 0.00001.
gnomAD v4.1: 1 of 1,614,194 alleles (0.000062%); highest among the groups gnomAD compares: Non-Finnish European, 0.000085%; no homozygotes.

Submission:

Labcorp Genetics (formerly Invitae), Labcorp
Classification: Uncertain significance. Last evaluated: 2025-08-21. Review status: criteria provided, single submitter. Criteria: Invitae Variant Classification Sherloc (09022015). Collection method: clinical testing. Allele origin: germline.
Comment: This sequence change replaces glutamine, which is neutral and polar, with glutamic acid, which is acidic and polar, at codon 1344 of the SZT2 protein (p.Gln1344Glu). This variant is not present in population databases (gnomAD no frequency). This variant has not been reported in the literature in individuals affected with SZT2-related conditions. ClinVar contains an entry for this variant (Variation ID: 662714). Invitae Evidence Modeling of protein sequence and biophysical properties (such as structural, functional, and spatial information, amino acid conservation, physicochemical variation, residue mobility, and thermodynamic stability) indicates that this missense variant is not expected to disrupt SZT2 protein function with a negative predictive value of 80%. In summary, the available evidence is currently insufficient to determine the role of this variant in disease. Therefore, it has been classified as a Variant of Uncertain Significance.